The following is an entry in ClinVar:

ClinVar aggregate classification (germline): Uncertain significance (1 of 4 stars; one submission).

Conditions:
Inborn genetic diseases. Identifiers: MedGen C0950123, MeSH D030342.

Submission:

Ambry Genetics
Classification: Uncertain significance for Inborn genetic diseases. Last evaluated: 2025-06-06. Review status: criteria provided, single submitter. Criteria: Ambry Variant Classification Scheme 2023. Collection method: clinical testing. Allele origin: germline.
Comment: The p.S319I variant (also known as c.956G>T), located in coding exon 7 of the KDM1A gene, results from a G to T substitution at nucleotide position 956. The serine at codon 319 is replaced by isoleucine, an amino acid with dissimilar properties. This amino acid position is conserved. In addition, this alteration is predicted to be deleterious by in silico analysis. Based on the available evidence, the clinical significance of this variant remains unclear.

NM_001009999.3(KDM1A):c.956G>T (p.Ser319Ile)

Gene: KDM1A (lysine demethylase 1A; plus strand). Cytogenetic location: 1p36.12.
Variant type: single nucleotide variant.
Coding change: c.956G>T on transcript NM_001009999.3 (MANE Select); coding-DNA position 956, G replaced by T.
Protein change: p.Ser319Ile; replaces serine 319 with isoleucine.
Molecular consequence: missense variant.
Genome position (GRCh38, 1-based): chr1:23,056,004, G>T. VCF-style: chr1-23056004-G-T. GRCh37 (hg19) VCF-style: chr1-23382497-G-T.
Other names: c.896G>T, p.Ser299Ile (NM_001363654.2, NM_001410763.1, NM_015013.4); c.956G>T, p.Ser319Ile (NM_001410762.1); short protein forms S319I, S299I.
Identifiers: ClinVar variation 4042177 (VCV004042177.1).